The following is an entry in ClinVar:

ClinVar aggregate classification (germline): Benign/Likely benign. Review status: criteria provided, multiple submitters, no conflicts (2 of 4 stars). 10 submissions from 10 submitters: Benign (8); Likely benign (2). Last evaluated 2026-04-24.

Conditions:
Hereditary cancer-predisposing syndrome. Also called: Hereditary Cancer Syndrome; Tumor predisposition; Hereditary neoplastic syndrome; Neoplastic Syndromes, Hereditary. Identifiers: Orphanet 140162, MedGen C0027672, MeSH D009386, MONDO:0015356.
Colorectal cancer, susceptibility to, 1. Also called: COLORECTAL ADENOMA AND CANCER, SUSCEPTIBILITY TO; COLORECTAL CANCER, SUSCEPTIBILITY TO, ON CHROMOSOME 9. Identifiers: MedGen C1837315, MONDO:0012132, OMIM 608812.

Allele frequency attached by ClinVar (database versions not stated): 1000 Genomes Project 0.00679; 1000 Genomes Project 30x 0.00687; ESP Exome Variant Server 0.00807; TOPMed 0.00858; gnomAD 0.01010 and 0.01012; ExAC 0.01142; gnomAD exomes 0.01188.

Submissions (10):

Myriad Genetics, Inc.
Classification: Benign for Colorectal cancer, susceptibility to, 1. Last evaluated: 2026-04-24. Review status: criteria provided, single submitter. Criteria: Myriad Autosomal Dominant, Autosomal Recessive and X-Linked Classification Criteria (2023). Collection method: clinical testing. Allele origin: unknown.
Comment: This variant is considered benign. This variant has been observed at a population frequency that is significantly greater than expected given the associated disease prevalence and penetrance.

Labcorp Genetics (formerly Invitae), Labcorp
Classification: Benign. Last evaluated: 2026-01-29. Review status: criteria provided, single submitter. Criteria: Invitae Variant Classification Sherloc (09022015). Collection method: clinical testing. Allele origin: germline.

Quest Diagnostics Nichols Institute San Juan Capistrano
Classification: Benign. Last evaluated: 2025-05-02. Review status: criteria provided, single submitter. Criteria: Quest Diagnostics criteria. Collection method: clinical testing. Allele origin: unknown.

Institute for Biomarker Research, Medical Diagnostic Laboratories, L.L.C.
Classification: Benign for Hereditary cancer-predisposing syndrome. Last evaluated: 2025-01-10. Review status: criteria provided, single submitter. Criteria: ACMG Guidelines, 2015. Collection method: clinical testing. Allele origin: germline.
Comment: The missense variant NM_024642.5(GALNT12):c.781G>A (p.Asp261Asn) has been reported to ClinVar as Benign/Likely benign with a status of (2 stars) criteria provided, multiple submitters, no conflicts (Variation ID 241517 as of 2025-01-02). There is a small physicochemical difference between aspartic acid and asparagine, which is not likely to impact secondary protein structure as these residues share similar properties. For these reasons, this variant has been classified as Benign.

Blueprint Genetics
Classification: Benign. Last evaluated: 2024-11-27. Review status: criteria provided, single submitter. Criteria: ACMG Guidelines, 2015. Collection method: clinical testing. Allele origin: germline.

Institute for Clinical Genetics, University Hospital TU Dresden, University Hospital TU Dresden
Classification: Benign. Last evaluated: 2021-11-03. Review status: criteria provided, single submitter. Criteria: ACMG Guidelines, 2015. Collection method: clinical testing. Allele origin: germline.

Department of Pathology and Laboratory Medicine, Sinai Health System
Classification: Benign for Colorectal cancer, susceptibility to, 1. Last evaluated: 2021-09-09. Review status: criteria provided, single submitter. Criteria: ACMG Guidelines, 2015. Collection method: clinical testing. Allele origin: germline. Affected: no.

GeneDx
Classification: Likely benign. Last evaluated: 2021-02-23. Review status: criteria provided, single submitter. Criteria: GeneDx Variant Classification Process June 2021. Collection method: clinical testing. Allele origin: germline. Affected: yes.

Ambry Genetics
Classification: Benign. Last evaluated: 2016-08-26. Review status: criteria provided, single submitter. Criteria: Ambry Variant Classification Scheme 2023. Collection method: clinical testing. Allele origin: germline.

Breakthrough Genomics
Classification: Likely benign. Review status: criteria provided, single submitter. Criteria: ACMG Guidelines, 2015. Collection method: not provided. Allele origin: germline. Inheritance: Unknown mechanism. Affected: yes.

Literature cited by the submitters: PubMed 19617566 (cited by Quest Diagnostics Nichols Institute San Juan Capistrano); PubMed 28944238 (cited by Quest Diagnostics Nichols Institute San Juan Capistrano); PubMed 22461326 (cited by Quest Diagnostics Nichols Institute San Juan Capistrano).

NM_024642.5(GALNT12):c.781G>A (p.Asp261Asn)

Gene: GALNT12 (polypeptide N-acetylgalactosaminyltransferase 12; plus strand). Cytogenetic location: 9q22.33.
Variant type: single nucleotide variant.
Coding change: c.781G>A on transcript NM_024642.5 (MANE Select); coding-DNA position 781, G replaced by A.
Protein change: p.Asp261Asn; replaces aspartic acid 261 with asparagine.
Molecular consequence: missense variant.
Genome position (GRCh38, 1-based): chr9:98,831,821, G>A. VCF-style: chr9-98831821-G-A. GRCh37 (hg19) VCF-style: chr9-101594103-G-A.
Other names: short protein forms D261N.
Identifiers: ClinVar variation 241517 (VCV000241517.26), dbSNP rs41306504, ClinGen allele CA5154056.